The following is an entry in ClinVar:

NM_004562.3(PRKN):c.317A>G (p.Asp106Gly)

Gene: PRKN (parkin RBR E3 ubiquitin protein ligase; minus strand). Cytogenetic location: 6q26.
Variant type: single nucleotide variant.
Coding change: c.317A>G on transcript NM_004562.3 (MANE Select); coding-DNA position 317, A replaced by G.
Protein change: p.Asp106Gly; replaces aspartic acid 106 with glycine.
Molecular consequence: missense variant. On other transcripts: intron variant (1).
Genome position (GRCh38, 1-based): chr6:162,262,620, T>C on the plus strand (A>G on the coding strand, the complement: PRKN is on the minus strand). VCF-style: chr6-162262620-T-C. GRCh37 (hg19) VCF-style: chr6-162683652-T-C.
Other names: c.317A>G, p.Asp106Gly (NM_013987.3); c.171+180690A>G (NM_013988.3); short protein forms D106G.
Identifiers: ClinVar variation 1003368 (VCV001003368.9), dbSNP rs1288568218, ClinGen allele CA366475919.
Genomic context (GRCh38, chr6:162,262,620, plus strand): 5'-TCAGTGTGCAGAATGACAGCCAGCCCCACAGAGTCTCCTGGGAGGACTGAGCTGCTGAGG[T>C]CCACCCGAGTCAAGCTCTGGGGCTCCCGCTCACAGCCTCCCGCCGCGTTTCTGGGGTCGT-3'
Protein context (NP_004553.2, residues 96-116): EREPQSLTRV[Asp106Gly]LSSSVLPGDS

ClinVar aggregate classification (germline): Uncertain significance (1 of 4 stars; one submission).

Submission:

Labcorp Genetics (formerly Invitae), Labcorp
Classification: Uncertain significance. Last evaluated: 2020-01-18. Review status: criteria provided, single submitter. Criteria: Invitae Variant Classification Sherloc (09022015). Collection method: clinical testing. Allele origin: germline.
Comment: In summary, the available evidence is currently insufficient to determine the role of this variant in disease. Therefore, it has been classified as a Variant of Uncertain Significance. Algorithms developed to predict the effect of missense changes on protein structure and function are either unavailable or do not agree on the potential impact of this missense change (SIFT: "Deleterious"; PolyPhen-2: "Benign"; Align-GVGD: "Class C0"). This variant has not been reported in the literature in individuals with PRKN-related conditions. This variant is not present in population databases (ExAC no frequency). This sequence change replaces aspartic acid with glycine at codon 106 of the PRKN protein (p.Asp106Gly). The aspartic acid residue is moderately conserved and there is a moderate physicochemical difference between aspartic acid and glycine.